The following is an entry in ClinVar:

ClinVar aggregate classification (germline): Conflicting classifications of pathogenicity. Review status: criteria provided, conflicting classifications (1 of 4 stars). 4 submissions from 4 submitters: Uncertain significance (1); Likely benign (3). Last evaluated 2025-12-26.

Conditions:
SBF1-related disorder. Also called: SBF1-related condition.

Allele frequency attached by ClinVar (database versions not stated): gnomAD exomes 0.00014 and 0.00021; ExAC 0.00021; ESP Exome Variant Server 0.00063; gnomAD 0.00070 and 0.00079; TOPMed 0.00087.
gnomAD v4.1: 326 of 1,609,580 alleles (0.02%); highest among the groups gnomAD compares: African/African-American, 0.19%; 1 homozygote.

Submissions (4):

Labcorp Genetics (formerly Invitae), Labcorp
Classification: Likely benign. Last evaluated: 2025-12-26. Review status: criteria provided, single submitter. Criteria: Invitae Variant Classification Sherloc (09022015). Collection method: clinical testing. Allele origin: germline.

Greenwood Genetic Center Diagnostic Laboratories, Greenwood Genetic Center
Classification: Uncertain significance. Last evaluated: 2025-06-12. Review status: criteria provided, single submitter. Criteria: ACMG Guidelines, 2015. Collection method: clinical testing. Allele origin: germline. Affected: yes.
Comment: BP4

PreventionGenetics, part of Exact Sciences
Classification: Likely benign for SBF1-related condition. Last evaluated: 2024-12-04. Review status: criteria provided, single submitter. Criteria: ACMG Guidelines, 2015. Collection method: clinical testing. Allele origin: germline.
Comment: This variant is classified as likely benign based on ACMG/AMP sequence variant interpretation guidelines (Richards et al. 2015 PMID: 25741868, with internal and published modifications).

Blueprint Genetics
Classification: Likely benign. Last evaluated: 2024-09-24. Review status: criteria provided, single submitter. Criteria: ACMG Guidelines, 2015. Collection method: clinical testing. Allele origin: germline.

NM_002972.4(SBF1):c.3579C>T (p.Pro1193=)

Gene: SBF1 (SET binding factor 1; minus strand). Cytogenetic location: 22q13.33.
Variant type: single nucleotide variant.
Coding change: c.3579C>T on transcript NM_002972.4 (MANE Select); coding-DNA position 3579, C replaced by T.
Protein change: p.Pro1193=; no amino-acid change (proline 1193 retained).
Molecular consequence: synonymous variant.
Genome position (GRCh38, 1-based): chr22:50,459,579, G>A on the plus strand (C>T on the coding strand, the complement: SBF1 is on the minus strand). VCF-style: chr22-50459579-G-A. GRCh37 (hg19) VCF-style: chr22-50898008-G-A.
Other names: c.3582C>T, p.Pro1194= (NM_001365819.1).
Identifiers: ClinVar variation 738361 (VCV000738361.11), dbSNP rs374190021, ClinGen allele CA10316651.